The following is an entry in ClinVar:

NM_032620.4(GTPBP3):c.974+20_974+22del

Gene: GTPBP3 (GTP binding protein 3, mitochondrial; plus strand). Cytogenetic location: 19p13.11.
Variant type: Deletion.
Coding change: c.974+20_974+22del on transcript NM_032620.4 (MANE Select); bases 20 to 22 of the intron after coding-DNA position 974, 3 bases deleted (ATG; older notation c.974+20_974+22delATG).
Molecular consequence: intron variant.
Genome position (GRCh38, 1-based): chr19:17,339,619-17,339,621, ATG deleted; deleting any 3 consecutive bases within chr19:17,339,617-17,339,621 gives the same sequence; the c. name uses the placement nearest the transcript's 3' end. VCF-style (leftmost placement, unchanged base first): chr19-17339616-GTGA-G. GRCh37 (hg19) VCF-style: chr19-17450425-GTGA-G.
Other names: c.1040+20_1040+22del (NM_001195422.1); c.1070+20_1070+22del (NM_133644.4); c.974+20_974+22del (NM_001128855.3); c.1070+20_1070+22delATG (NM_133644.3).
Identifiers: ClinVar variation 420312 (VCV000420312.11), dbSNP rs752831793, ClinGen allele CA9293592.

ClinVar aggregate classification (germline): Benign/Likely benign. Review status: criteria provided, multiple submitters, no conflicts (2 of 4 stars). 3 submissions from 3 submitters: Benign (1); Likely benign (2). Last evaluated 2026-01-13.

Submissions (3):

Labcorp Genetics (formerly Invitae), Labcorp
Classification: Benign. Last evaluated: 2026-01-13. Review status: criteria provided, single submitter. Criteria: Invitae Variant Classification Sherloc (09022015). Collection method: clinical testing. Allele origin: germline.

Blueprint Genetics
Classification: Likely benign. Last evaluated: 2024-11-15. Review status: criteria provided, single submitter. Criteria: ACMG Guidelines, 2015. Collection method: clinical testing. Allele origin: germline.

GeneDx
Classification: Likely benign. Last evaluated: 2018-01-03. Review status: criteria provided, single submitter. Criteria: GeneDx Variant Classification (06012015). Collection method: clinical testing. Allele origin: germline. Affected: yes.
Comment: This variant is considered likely benign or benign based on one or more of the following criteria: it is a conservative change, it occurs at a poorly conserved position in the protein, it is predicted to be benign by multiple in silico algorithms, and/or has population frequency not consistent with disease.